The following is an entry in ClinVar:

NM_014236.4(GNPAT):c.1575del (p.Phe525fs)

Gene: GNPAT (glyceronephosphate O-acyltransferase; plus strand). Cytogenetic location: 1q42.2.
Variant type: Deletion.
Coding change: c.1575del on transcript NM_014236.4 (MANE Select); coding-DNA position 1575, one base deleted (C; older notation c.1575delC).
Protein change: p.Phe525fs; shifts the reading frame from phenylalanine 525.
Molecular consequence: frameshift variant.
Genome position (GRCh38, 1-based): chr1:231,272,364, C deleted. VCF-style (leftmost placement, unchanged base first): chr1-231272363-TC-T. GRCh37 (hg19) VCF-style: chr1-231408109-TC-T.
Other names: c.1392del, p.Phe464fs (NM_001316350.2); short protein forms F464fs, F525fs.
Identifiers: ClinVar variation 6845 (VCV000006845.4), dbSNP rs1571957148, ClinGen allele CA913186011.
Genomic context (GRCh38, chr1:231,272,363, plus strand): 5'-TATTTCCAGAGGATGTCTACAGTTGCTTTCGCTTCCTACGTGATGTTTTTGCAGATGAGT[TC>T]ATCTTCCTTCCAGGAAACACACTAAAGGTAAAGTGCTTACAACAAAGAGCAAGTATGTTT-3'

ClinVar aggregate classification (germline): Pathogenic. Review status: criteria provided, single submitter (1 of 4 stars). 2 submissions from 2 submitters: Pathogenic (1). 1 of the submissions does not count toward it. Last evaluated 2023-05-16.

Conditions:
Rhizomelic chondrodysplasia punctata type 2 (RCDP2). Also called: DIHYDROXYACETONEPHOSPHATE ACYLTRANSFERASE DEFICIENCY; Chondrodysplasia punctata, rhizomelic, due to dihydroxyacetonephosphate acyltransferase deficiency; Glyceronephosphate O-acyltransferase deficiency; PEROXISOMAL DIHYDROXYACETONEPHOSPHATE ACYLTRANSFERASE DEFICIENCY; DHAPAT DEFICIENCY; glyceronephosphate O-acyltransferase (GNPAT) deficiency. Identifiers: Orphanet 177, Orphanet 309796, MedGen C1857242, MONDO:0100273, OMIM 222765. Disease mechanism: loss of function.

Submissions (2):

Labcorp Genetics (formerly Invitae), Labcorp
Classification: Pathogenic. Last evaluated: 2023-05-16. Review status: criteria provided, single submitter. Criteria: Invitae Variant Classification Sherloc (09022015). Collection method: clinical testing. Allele origin: germline.
Comment: This premature translational stop signal has been observed in individual(s) with rhizomelic chondrodysplasia punctata (PMID: 9536089). For these reasons, this variant has been classified as Pathogenic. ClinVar contains an entry for this variant (Variation ID: 6845). This variant is not present in population databases (gnomAD no frequency). This sequence change creates a premature translational stop signal (p.Phe525Leufs*9) in the GNPAT gene. It is expected to result in an absent or disrupted protein product. Loss-of-function variants in GNPAT are known to be pathogenic (PMID: 9536089, 21990100).

OMIM
Classification: Pathogenic for RHIZOMELIC CHONDRODYSPLASIA PUNCTATA, TYPE 2. Last evaluated: 1998-05-01. Review status: no assertion criteria provided. Collection method: literature only. Allele origin: germline. Not counted in ClinVar's aggregate classification.

Literature cited by the submitters: PubMed 9536089 (cited by Labcorp Genetics (formerly Invitae), Labcorp and OMIM); PubMed 21990100 (cited by Labcorp Genetics (formerly Invitae), Labcorp).